The following is an entry in ClinVar:

ClinVar aggregate classification (germline): Uncertain significance (1 of 4 stars; one submission).

Conditions:
Marfan syndrome (MFS). Also called: FBN1-Related Marfan Syndrome; MARFAN SYNDROME, TYPE I; Marfan syndrome type 1; Marfan's syndrome; Marfan syndrome, classic. Identifiers: Orphanet 284963, Orphanet 558, MedGen C0024796, MONDO:0007947, OMIM 154700.
Familial thoracic aortic aneurysm and aortic dissection (TAAD). Also called: Thoracic aortic aneurysms and dissections. Identifiers: Orphanet 91387, MedGen C4707243, MONDO:0019625.

Submission:

Labcorp Genetics (formerly Invitae), Labcorp
Classification: Uncertain significance for Marfan syndrome; Familial thoracic aortic aneurysm and aortic dissection. Last evaluated: 2022-07-12. Review status: criteria provided, single submitter. Criteria: Invitae Variant Classification Sherloc (09022015). Collection method: clinical testing. Allele origin: germline.
Comment: This sequence change replaces glycine, which is neutral and non-polar, with serine, which is neutral and polar, at codon 851 of the FBN1 protein (p.Gly851Ser). This variant is not present in population databases (gnomAD no frequency). This variant has not been reported in the literature in individuals affected with FBN1-related conditions. ClinVar contains an entry for this variant (Variation ID: 1061845). Algorithms developed to predict the effect of missense changes on protein structure and function (SIFT, PolyPhen-2, Align-GVGD) all suggest that this variant is likely to be tolerated. In summary, the available evidence is currently insufficient to determine the role of this variant in disease. Therefore, it has been classified as a Variant of Uncertain Significance.

NM_000138.5(FBN1):c.2551G>A (p.Gly851Ser)

Gene: FBN1 (fibrillin 1; minus strand). Cytogenetic location: 15q21.1.
Variant type: single nucleotide variant.
Coding change: c.2551G>A on transcript NM_000138.5 (MANE Select); coding-DNA position 2551, G replaced by A.
Protein change: p.Gly851Ser; replaces glycine 851 with serine.
Molecular consequence: missense variant.
Genome position (GRCh38, 1-based): chr15:48,495,249, C>T on the plus strand (G>A on the coding strand, the complement: FBN1 is on the minus strand). VCF-style: chr15-48495249-C-T. GRCh37 (hg19) VCF-style: chr15-48787446-C-T.
Other names: short protein forms G851S.
Identifiers: ClinVar variation 1061845 (VCV001061845.9), dbSNP rs2141303833, ClinGen allele CA392332921.